The following is an entry in ClinVar:

ClinVar aggregate classification (germline): Uncertain significance. Review status: criteria provided, multiple submitters, no conflicts (2 of 4 stars). 2 submissions from 2 submitters: Uncertain significance (2). Last evaluated 2026-02-21.

Conditions:
MYH7B-related disorder. Also called: MYH7B-related condition.

Allele frequency attached by ClinVar (database versions not stated): ExAC 0.00002; gnomAD 0.00003.
gnomAD v4.1: 42 of 1,612,078 alleles (0.0026%); highest among the groups gnomAD compares: Middle Eastern, 0.033%; no homozygotes.

Submissions (2):

PreventionGenetics, part of Exact Sciences
Classification: Uncertain significance for MYH7B-related condition. Last evaluated: 2026-02-21. Review status: criteria provided, single submitter. Criteria: ACMG Guidelines, 2015. Collection method: clinical testing. Allele origin: germline.
Comment: The MYH7B c.1492C>T variant is predicted to result in the amino acid substitution p.Arg498Trp. To our knowledge, this variant has not been reported in the literature. This variant is reported in 0.0055% of alleles in individuals of East Asian descent in gnomAD. At this time, the clinical significance of this variant is uncertain due to the absence of conclusive functional and genetic evidence.

Labcorp Genetics (formerly Invitae), Labcorp
Classification: Uncertain significance. Last evaluated: 2025-03-17. Review status: criteria provided, single submitter. Criteria: Invitae Variant Classification Sherloc (09022015). Collection method: clinical testing. Allele origin: germline.
Comment: This sequence change replaces arginine, which is basic and polar, with tryptophan, which is neutral and slightly polar, at codon 498 of the MYH7B protein (p.Arg498Trp). This variant is present in population databases (rs780637899, gnomAD 0.006%). This variant has not been reported in the literature in individuals affected with MYH7B-related conditions. ClinVar contains an entry for this variant (Variation ID: 2723478). Invitae Evidence Modeling of protein sequence and biophysical properties (such as structural, functional, and spatial information, amino acid conservation, physicochemical variation, residue mobility, and thermodynamic stability) indicates that this missense variant is expected to disrupt MYH7B protein function with a positive predictive value of 80%. In summary, the available evidence is currently insufficient to determine the role of this variant in disease. Therefore, it has been classified as a Variant of Uncertain Significance.

NM_020884.7(MYH7B):c.1366C>T (p.Arg456Trp)

Gene: MYH7B (myosin heavy chain 7B; plus strand). Cytogenetic location: 20q11.22.
Variant type: single nucleotide variant.
Coding change: c.1366C>T on transcript NM_020884.7 (MANE Select); coding-DNA position 1366, C replaced by T.
Protein change: p.Arg456Trp; replaces arginine 456 with tryptophan.
Molecular consequence: missense variant.
Genome position (GRCh38, 1-based): chr20:34,987,864, C>T. VCF-style: chr20-34987864-C-T. GRCh37 (hg19) VCF-style: chr20-33575667-C-T.
Other names: c.1492C>T (NM_020884.4); short protein forms R456W.
Identifiers: ClinVar variation 2723478 (VCV002723478.4), dbSNP rs780637899, ClinGen allele CA9826908.